The following is an entry in ClinVar:

NM_001035.3(RYR2):c.4850G>C (p.Trp1617Ser)

Gene: RYR2 (ryanodine receptor 2; plus strand). Cytogenetic location: 1q43.
Variant type: single nucleotide variant.
Coding change: c.4850G>C on transcript NM_001035.3 (MANE Select); coding-DNA position 4850, G replaced by C.
Protein change: p.Trp1617Ser; replaces tryptophan 1617 with serine.
Molecular consequence: missense variant.
Genome position (GRCh38, 1-based): chr1:237,610,928, G>C. VCF-style: chr1-237610928-G-C. GRCh37 (hg19) VCF-style: chr1-237774228-G-C.
Other names: short protein forms W1617S.
Identifiers: ClinVar variation 694542 (VCV000694542.6), dbSNP rs1677785308, ClinGen allele CA345402761.

ClinVar aggregate classification (germline): Uncertain significance. Review status: criteria provided, multiple submitters, no conflicts (2 of 4 stars). 3 submissions from 3 submitters: Uncertain significance (3). Last evaluated 2024-04-26.

Conditions:
Hypertrophic cardiomyopathy. Also called: HYPERTROPHIC MYOCARDIOPATHY. Identifiers: Orphanet 217569, MedGen C0007194, MeSH D002312, MONDO:0005045, HP:0001639.
Cardiovascular phenotype. Identifiers: MedGen CN230736.
Catecholaminergic polymorphic ventricular tachycardia 1. Also called: VENTRICULAR TACHYCARDIA, CATECHOLAMINERGIC POLYMORPHIC, 1, WITH OR WITHOUT ATRIAL DYSFUNCTION AND/OR DILATED CARDIOMYOPATHY; RYR2-Related Catecholaminergic Polymorphic Ventricular Tachycardia; VENTRICULAR TACHYCARDIA, STRESS-INDUCED POLYMORPHIC 1. Identifiers: Orphanet 3286, MedGen C1631597, MONDO:0011484, OMIM 604772.

Allele frequency attached by ClinVar (database versions not stated): TOPMed below 0.00001; gnomAD 0.00001.
gnomAD v4.1: 1 of 1,613,412 alleles (0.000062%); highest among the groups gnomAD compares: African/African-American, 0.0013%; no homozygotes.

Submissions (3):

Labcorp Genetics (formerly Invitae), Labcorp
Classification: Uncertain significance for Catecholaminergic polymorphic ventricular tachycardia 1. Last evaluated: 2024-04-26. Review status: criteria provided, single submitter. Criteria: Invitae Variant Classification Sherloc (09022015). Collection method: clinical testing. Allele origin: germline.
Comment: This sequence change replaces tryptophan, which is neutral and slightly polar, with serine, which is neutral and polar, at codon 1617 of the RYR2 protein (p.Trp1617Ser). This variant is not present in population databases (gnomAD no frequency). This variant has not been reported in the literature in individuals affected with RYR2-related conditions. ClinVar contains an entry for this variant (Variation ID: 694542). Advanced modeling of protein sequence and biophysical properties (such as structural, functional, and spatial information, amino acid conservation, physicochemical variation, residue mobility, and thermodynamic stability) performed at Invitae indicates that this missense variant is expected to disrupt RYR2 protein function with a positive predictive value of 95%. In summary, the available evidence is currently insufficient to determine the role of this variant in disease. Therefore, it has been classified as a Variant of Uncertain Significance.

Ambry Genetics
Classification: Uncertain significance for Cardiovascular phenotype. Last evaluated: 2023-07-26. Review status: criteria provided, single submitter. Criteria: Ambry Variant Classification Scheme 2023. Collection method: clinical testing. Allele origin: germline.
Comment: The p.W1617S variant (also known as c.4850G>C), located in coding exon 36 of the RYR2 gene, results from a G to C substitution at nucleotide position 4850. The tryptophan at codon 1617 is replaced by serine, an amino acid with highly dissimilar properties. This amino acid position is highly conserved in available vertebrate species. In addition, this alteration is predicted to be deleterious by in silico analysis. Since supporting evidence is limited at this time, the clinical significance of this alteration remains unclear.

Genetics and Genomics Program, Sidra Medicine
Classification: Uncertain significance for Hypertrophic cardiomyopathy. Review status: criteria provided, single submitter. Criteria: ACMG Guidelines, 2015. Collection method: research. Allele origin: unknown. Affected: yes. Observed: 1 variant allele.